The following is an entry in ClinVar:

NM_000264.5(PTCH1):c.1197G>A (p.Trp399Ter)

Gene: PTCH1 (patched 1; minus strand). Cytogenetic location: 9q22.32.
Variant type: single nucleotide variant.
Coding change: c.1197G>A on transcript NM_000264.5 (MANE Select); coding-DNA position 1197, G replaced by A.
Protein change: p.Trp399Ter; replaces tryptophan 399 with a stop codon.
Molecular consequence: nonsense. On other transcripts: non-coding transcript variant (1).
Genome position (GRCh38, 1-based): chr9:95,479,018, C>T on the plus strand (G>A on the coding strand, the complement: PTCH1 is on the minus strand). VCF-style: chr9-95479018-C-T. GRCh37 (hg19) VCF-style: chr9-98241300-C-T.
Other names: c.999G>A, p.Trp333Ter (NM_001083602.3); c.1194G>A, p.Trp398Ter (NM_001083603.3); c.744G>A, p.Trp248Ter (NM_001083604.3, NM_001083605.3, NM_001083606.3 and 1 more transcripts); c.1197G>A, p.Trp399Ter (NM_001354918.2); short protein forms W248*, W333*, W398*, W399*.
Identifiers: ClinVar variation 2664858 (VCV002664858.4), dbSNP rs2538216680, ClinGen allele CA374119247.

ClinVar aggregate classification (germline): Pathogenic. Review status: criteria provided, multiple submitters, no conflicts (2 of 4 stars). 2 submissions from 2 submitters: Pathogenic (2). Last evaluated 2023-08-28.

Conditions:
Gorlin syndrome. Also called: Nevoid Basal Cell Carcinoma Syndrome; Basal cell nevus syndrome. Identifiers: Orphanet 377, MedGen C0004779, MONDO:0007187.

Submissions (2):

Labcorp Genetics (formerly Invitae), Labcorp
Classification: Pathogenic for Gorlin syndrome. Last evaluated: 2023-08-28. Review status: criteria provided, single submitter. Criteria: Invitae Variant Classification Sherloc (09022015). Collection method: clinical testing. Allele origin: germline.
Comment: For these reasons, this variant has been classified as Pathogenic. This variant has not been reported in the literature in individuals affected with PTCH1-related conditions. This variant is not present in population databases (gnomAD no frequency). This sequence change creates a premature translational stop signal (p.Trp399*) in the PTCH1 gene. It is expected to result in an absent or disrupted protein product. Loss-of-function variants in PTCH1 are known to be pathogenic (PMID: 16301862, 16419085).

Genetics and Molecular Pathology, SA Pathology
Classification: Pathogenic for Basal cell nevus syndrome 1. Last evaluated: 2022-11-11. Review status: criteria provided, single submitter. Criteria: ACMG Guidelines, 2015. Collection method: clinical testing. Allele origin: germline. Inheritance: Autosomal dominant inheritance. Affected: yes.
Comment: The PTCH1 c.1197G>A variant is classified as Pathogenic (PVS1, PS4_supporting, PM2) The PTCH1 c.1197G>A variant is a single nucleotide change which is predicted to result in premature termination of the protein product at codon 399 (PVS1). Takahashi et al. (PMID:19557015) reported the same amino acid change (with a different nucleotide substitution - c.1196G>A) in two members of a Japanese family affected with basal cell nevus syndrome (PS4_Supporting). This variant is absent from population databases (PM2). The variant has not been reported in dbSNP or ClinVar and has been reported in HGMD as disease causing (CM094522).

Literature cited by the submitters: PubMed 16301862 (cited by Labcorp Genetics (formerly Invitae), Labcorp); PubMed 16419085 (cited by Labcorp Genetics (formerly Invitae), Labcorp); PubMed 19557015 (cited by Genetics and Molecular Pathology, SA Pathology).